The following is an entry in ClinVar:

ClinVar aggregate classification (germline): Uncertain significance. Review status: criteria provided, multiple submitters, no conflicts (2 of 4 stars). 2 submissions from 2 submitters: Uncertain significance (2). Last evaluated 2021-10-12.

Conditions:
Familial thoracic aortic aneurysm and aortic dissection (TAAD). Also called: Thoracic aortic aneurysms and dissections. Identifiers: Orphanet 91387, MedGen C4707243, MONDO:0019625.

Submissions (2):

Color Diagnostics, LLC DBA Color Health
Classification: Uncertain significance for Familial thoracic aortic aneurysm and aortic dissection. Last evaluated: 2021-10-12. Review status: criteria provided, single submitter. Criteria: ACMG Guidelines, 2015. Collection method: clinical testing. Allele origin: germline.
Comment: This missense variant replaces proline with serine at codon 1001 of the COL3A1 protein. Computational prediction is inconclusive regarding the impact of this variant on protein structure and function (internally defined REVEL score threshold 0.5 < inconclusive < 0.7, PMID: 27666373). To our knowledge, functional studies have not been reported for this variant. This variant has not been reported in individuals affected with cardiovascular disorders in the literature. This variant has not been identified in the general population by the Genome Aggregation Database (gnomAD). The available evidence is insufficient to determine the role of this variant in disease conclusively. Therefore, this variant is classified as a Variant of Uncertain Significance.

Ambry Genetics
Classification: Uncertain significance for Familial thoracic aortic aneurysm and aortic dissection. Last evaluated: 2016-08-09. Review status: criteria provided, single submitter. Criteria: Ambry Variant Classification Scheme 2023. Collection method: clinical testing. Allele origin: germline.
Comment: The p.P1001S variant (also known as c.3001C>T), located in coding exon 41 of the COL3A1 gene, results from a C to T substitution at nucleotide position 3001. The proline at codon 1001 is replaced by serine, an amino acid with similar properties. This variant was not reported in population based cohorts in the following databases: Database of Single Nucleotide Polymorphisms (dbSNP), NHLBI Exome Sequencing Project (ESP), and 1000 Genomes Project. In the ESP, this variant was not observed in 6503 samples (13006 alleles) with coverage at this position. This amino acid position is not well conserved in available vertebrate species. In addition, the in silico prediction for this alteration is inconclusive. Since supporting evidence is limited at this time, the clinical significance of this alteration remains unclear.

NM_000090.4(COL3A1):c.3001C>T (p.Pro1001Ser)

Gene: COL3A1 (collagen type III alpha 1 chain; plus strand). Cytogenetic location: 2q32.2.
Variant type: single nucleotide variant.
Coding change: c.3001C>T on transcript NM_000090.4 (MANE Select); coding-DNA position 3001, C replaced by T.
Protein change: p.Pro1001Ser; replaces proline 1001 with serine.
Molecular consequence: missense variant.
Genome position (GRCh38, 1-based): chr2:189,005,419, C>T. VCF-style: chr2-189005419-C-T. GRCh37 (hg19) VCF-style: chr2-189870145-C-T.
Other names: short protein forms P1001S.
Identifiers: ClinVar variation 519605 (VCV000519605.7), dbSNP rs777180110, ClinGen allele CA349844806.
Genomic context (GRCh38, chr2:189,005,419, plus strand): 5'-GGGAAACCAGGAGCTAACGGTCTCAGTGGAGAACGTGGTCCCCCTGGACCCCAGGGTCTT[C>T]CTGGTCTGGCTGGTACAGCTGGTGAACCTGGAAGAGATGTGAGTAGCAGTTTTTATTCAA-3'
Protein context (NP_000081.2, residues 991-1011): ERGPPGPQGL[Pro1001Ser]GLAGTAGEPG